The following is an entry in ClinVar:

ClinVar aggregate classification (germline): Uncertain significance (1 of 4 stars; one submission).

Conditions:
Jeune thoracic dystrophy. Also called: Short-rib thoracic dysplasia; Jeune syndrome; Infantile thoracic dystrophy; Thoracic pelvic phalangeal dystrophy; Jeune's syndrome; Chondroectodermal dysplasia-like syndrome. Identifiers: Orphanet 474, MedGen C0265275, MONDO:0018770.

Allele frequency attached by ClinVar (database versions not stated): TOPMed below 0.00001; ExAC 0.00001.
gnomAD v4.1: 1 of 1,592,622 alleles (0.000063%); highest among the groups gnomAD compares: Non-Finnish European, 0.000086%; no homozygotes.

Submission:

Labcorp Genetics (formerly Invitae), Labcorp
Classification: Uncertain significance for Jeune thoracic dystrophy. Last evaluated: 2022-07-25. Review status: criteria provided, single submitter. Criteria: Invitae Variant Classification Sherloc (09022015). Collection method: clinical testing. Allele origin: germline.
Comment: This sequence change replaces histidine, which is basic and polar, with tyrosine, which is neutral and polar, at codon 187 of the IFT80 protein (p.His187Tyr). This variant is present in population databases (rs748575525, gnomAD 0.0009%). This variant has not been reported in the literature in individuals affected with IFT80-related conditions. Algorithms developed to predict the effect of missense changes on protein structure and function (SIFT, PolyPhen-2, Align-GVGD) all suggest that this variant is likely to be disruptive. In summary, the available evidence is currently insufficient to determine the role of this variant in disease. Therefore, it has been classified as a Variant of Uncertain Significance.

NM_020800.3(IFT80):c.559C>T (p.His187Tyr)

Genes: IFT80 (intraflagellar transport 80; minus strand), TRIM59-IFT80 (TRIM59-IFT80 readthrough (NMD candidate); minus strand). Cytogenetic location: 3q25.33.
Variant type: single nucleotide variant.
Coding change: c.559C>T on transcript NM_020800.3 (MANE Select); coding-DNA position 559, C replaced by T.
Protein change: p.His187Tyr; replaces histidine 187 with tyrosine.
Molecular consequence: missense variant. On other transcripts: non-coding transcript variant (3).
Genome position (GRCh38, 1-based): chr3:160,357,569, G>A on the plus strand (C>T on the coding strand, the complement: IFT80 is on the minus strand). VCF-style: chr3-160357569-G-A. GRCh37 (hg19) VCF-style: chr3-160075357-G-A.
Other names: c.148C>T, p.His50Tyr (NM_001190241.2, NM_001190242.2); short protein forms H187Y, H50Y.
Identifiers: ClinVar variation 1713776 (VCV001713776.3), dbSNP rs748575525, ClinGen allele CA2685435.